The following is an entry in ClinVar:

ClinVar aggregate classification (germline): Uncertain significance. Review status: criteria provided, multiple submitters, no conflicts (2 of 4 stars). 3 submissions from 3 submitters: Uncertain significance (3). Last evaluated 2024-06-28.

Conditions:
Hereditary cancer-predisposing syndrome. Also called: Neoplastic Syndromes, Hereditary; Hereditary Cancer Syndrome; Tumor predisposition; Hereditary neoplastic syndrome. Identifiers: Orphanet 140162, MedGen C0027672, MeSH D009386, MONDO:0015356.
Familial adenomatous polyposis 1 (FAP1). Also called: FAMILIAL ADENOMATOUS POLYPOSIS 1, ATTENUATED; POLYPOSIS, ADENOMATOUS INTESTINAL. Identifiers: MedGen C2713442, MONDO:0021056, OMIM 175100. Disease mechanism: loss of function.

Submissions (3):

Ambry Genetics
Classification: Uncertain significance for Hereditary cancer-predisposing syndrome. Last evaluated: 2024-06-28. Review status: criteria provided, single submitter. Criteria: Ambry Variant Classification Scheme 2023. Collection method: clinical testing. Allele origin: germline.
Comment: The c.2894_2896dupATA variant (also known as p.N965dup), located in coding exon 15 of the APC gene, results from an in-frame duplication of ATA at nucleotide positions 2894 to 2896. This results in the duplication of an extra residue at codon 965. This amino acid position is highly conserved in available vertebrate species. In addition, this alteration is predicted to be deleterious by in silico analysis (Choi Y et al. PLoS ONE. 2012; 7(10):e46688). Based on the available evidence, the clinical significance of this variant remains unclear.

Baylor Genetics
Classification: Uncertain significance for Familial adenomatous polyposis 1. Last evaluated: 2023-08-15. Review status: criteria provided, single submitter. Criteria: ACMG Guidelines, 2015. Collection method: clinical testing. Allele origin: unknown.

Labcorp Genetics (formerly Invitae), Labcorp
Classification: Uncertain significance for Familial adenomatous polyposis 1. Last evaluated: 2021-08-24. Review status: criteria provided, single submitter. Criteria: Invitae Variant Classification Sherloc (09022015). Collection method: clinical testing. Allele origin: germline.
Comment: This variant, c.2894_2896dup, results in the insertion of 1 amino acid(s) to the APC protein (p.Asn965dup), but otherwise preserves the integrity of the reading frame. In summary, the available evidence is currently insufficient to determine the role of this variant in disease. Therefore, it has been classified as a Variant of Uncertain Significance. Experimental studies and prediction algorithms are not available or were not evaluated, and the functional significance of this variant is currently unknown. This variant has not been reported in the literature in individuals affected with APC-related conditions. This variant is not present in population databases (ExAC no frequency).

NM_000038.6(APC):c.2894_2896dup (p.Asn965dup)

Gene: APC (APC regulator of Wnt signaling pathway; plus strand). Cytogenetic location: 5q22.2.
Variant type: Duplication.
Coding change: c.2894_2896dup on transcript NM_000038.6 (MANE Select); coding-DNA positions 2894 to 2896, 3 bases duplicated (ATA; older notation c.2894_2896dupATA).
Protein change: p.Asn965dup; duplicates asparagine 965.
Molecular consequence: inframe insertion.
Genome position (GRCh38, 1-based): chr5:112,838,488-112,838,490, ATA duplicated; duplicating any 3 consecutive bases within chr5:112,838,487-112,838,490 gives the same sequence; the c. name uses the placement nearest the transcript's 3' end. VCF-style (leftmost placement, unchanged base first): chr5-112838486-A-AAAT. GRCh37 (hg19) VCF-style: chr5-112174183-A-AAAT.
Other names: c.2894_2896dup, p.Asn965dup (NM_001127510.3, NM_001354895.2); c.2840_2842dup, p.Asn947dup (NM_001127511.3); c.2948_2950dup, p.Asn983dup (NM_001354896.2); c.2924_2926dup, p.Asn975dup (NM_001354897.2); c.2819_2821dup, p.Asn940dup (NM_001354898.2); c.2810_2812dup, p.Asn937dup (NM_001354899.2); c.2771_2773dup, p.Asn924dup (NM_001354900.2); c.2717_2719dup, p.Asn906dup (NM_001354901.2); and 6 more.
Identifiers: ClinVar variation 1377330 (VCV001377330.8), dbSNP rs2149879628, ClinGen allele CA2573138928.